The following is an entry in ClinVar:

ClinVar aggregate classification (germline): Conflicting classifications of pathogenicity. Review status: criteria provided, conflicting classifications (1 of 4 stars). 2 submissions from 2 submitters: Likely pathogenic (1); Uncertain significance (1). Last evaluated 2026-02-11.

Conditions:
Nonsyndromic congenital nail disorder 8. Also called: TOENAIL DYSTROPHY, ISOLATED. Identifiers: MedGen C1843761, MONDO:0011852, OMIM 607523.
Recessive dystrophic epidermolysis bullosa (RDEB). Also called: DYSTROPHIC EPIDERMOLYSIS BULLOSA, AUTOSOMAL RECESSIVE; EPIDERMOLYSIS BULLOSA DYSTROPHICA, HALLOPEAU-SIEMENS TYPE; Hallopeau-Siemens Disease; severe generalized recessive dystrophic epidermolysis bullosa; Epidermolysis Bullosa Distrophica Autosomal Recessive (RDEB); epidermolysis bullosa dystrophica, autosomal recessive. Identifiers: Orphanet 79408, Orphanet 79409, MedGen C0079474, MONDO:0009179, OMIM 226600.
Transient bullous dermolysis of the newborn (TBDN). Also called: DYSTROPHIC EPIDERMOLYSIS BULLOSA, NEONATAL; EPIDERMOLYSIS BULLOSA DYSTROPHICA, NEONATAL FORM. Identifiers: Orphanet 79411, MedGen C1851573, MONDO:0007548, OMIM 131705.
Dominant dystrophic epidermolysis bullosa with absence of skin. Also called: EPIDERMOLYSIS BULLOSA WITH CONGENITAL LOCALIZED ABSENCE OF SKIN AND DEFORMITY OF NAILS; EPIDERMOLYSIS BULLOSA DYSTROPHICA, BART TYPE. Identifiers: MedGen C0268371, MONDO:0007557, OMIM 132000.
Generalized dominant dystrophic epidermolysis bullosa (DDEB). Also called: DDEB, generalized; DDEB-gen; DYSTROPHIC EPIDERMOLYSIS BULLOSA, AUTOSOMAL DOMINANT; Epidermolysis bullosa dystrophica, autosomal dominant; Dominant DEB (DDEB). Identifiers: Orphanet 231568, MedGen C0432322, MONDO:0007549, OMIM 131750.
Epidermolysis bullosa pruriginosa. Also called: DEB, PRURIGINOSA; DYSTROPHIC EPIDERMOLYSIS BULLOSA PRURIGINOSA. Identifiers: Orphanet 89843, MedGen C1275114, MONDO:0011398, OMIM 604129.
Pretibial dystrophic epidermolysis bullosa. Also called: EPIDERMOLYSIS BULLOSA DYSTROPHICA, PRETIBIAL; Pretibial epidermolysis bullosa; Pretibial blistering. Identifiers: Orphanet 79410, MedGen C0432321, MONDO:0007552, OMIM 131850, HP:0012221.

Allele frequency attached by ClinVar (database versions not stated): gnomAD exomes below 0.00001.

Submissions (2):

Women's Health and Genetics/Laboratory Corporation of America, LabCorp
Classification: Uncertain significance. Last evaluated: 2026-02-11. Review status: criteria provided, single submitter. Criteria: LabCorp Variant Classification Summary - May 2015. Collection method: clinical testing. Allele origin: germline.
Comment: Variant summary: COL7A1 c.4102G>A (p.Gly1368Arg) results in a non-conservative amino acid change in the encoded protein sequence. This variant disrupts the triple helix domain of COL7A1. Glycine residues within the Gly-Xaa-Yaa repeats of the triple helix domain are required for the structure and stability of fibrillar collagens (PMID: 7695699, 8218237, 19344236). Algorithms developed to predict the effect of missense changes on protein structure and function all suggest that this variant is likely to be disruptive. The variant was absent in 251372 control chromosomes. The available data on variant occurrences in the general population are insufficient to allow any conclusion about variant significance. To our knowledge, no occurrence of c.4102G>A in individuals affected with COL7A1-related conditions and no experimental evidence demonstrating its impact on protein function have been reported. ClinVar contains an entry for this variant (Variation ID: 3251810). Based on the evidence outlined above, the variant was classified as uncertain significance.

Fulgent Genetics
Classification: Likely pathogenic for Transient bullous dermolysis of the newborn; Generalized dominant dystrophic epidermolysis bullosa; Pretibial dystrophic epidermolysis bullosa; Dominant dystrophic epidermolysis bullosa with absence of skin; Recessive dystrophic epidermolysis bullosa; Epidermolysis bullosa pruriginosa; Nonsyndromic congenital nail disorder 8. Last evaluated: 2024-04-30. Review status: criteria provided, single submitter. Criteria: ACMG Guidelines, 2015. Collection method: clinical testing. Allele origin: germline.

NM_000094.4(COL7A1):c.4102G>A (p.Gly1368Arg)

Gene: COL7A1 (collagen type VII alpha 1 chain; minus strand). Cytogenetic location: 3p21.31.
Variant type: single nucleotide variant.
Coding change: c.4102G>A on transcript NM_000094.4 (MANE Select); coding-DNA position 4102, G replaced by A.
Protein change: p.Gly1368Arg; replaces glycine 1368 with arginine.
Molecular consequence: missense variant.
Genome position (GRCh38, 1-based): chr3:48,584,502, C>T on the plus strand (G>A on the coding strand, the complement: COL7A1 is on the minus strand). VCF-style: chr3-48584502-C-T. GRCh37 (hg19) VCF-style: chr3-48621935-C-T.
Other names: short protein forms G1368R.
Identifiers: ClinVar variation 3251810 (VCV003251810.3), dbSNP rs2531170545.